The following is an entry in ClinVar:

NM_001366385.1(CARD14):c.2578A>G (p.Ser860Gly)

Genes: CARD14 (caspase recruitment domain family member 14; plus strand), SGSH (N-sulfoglucosamine sulfohydrolase; minus strand), LOC126862662 (MED14-independent group 3 enhancer GRCh37_chr17:78178385-78179584; plus strand). Cytogenetic location: 17q25.3.
Variant type: single nucleotide variant.
Coding change: c.2578A>G on transcript NM_001366385.1 (MANE Select); coding-DNA position 2578, A replaced by G.
Protein change: p.Ser860Gly; replaces serine 860 with glycine.
Molecular consequence: missense variant. On other transcripts: non-coding transcript variant (1).
Genome position (GRCh38, 1-based): chr17:80,205,539, A>G. VCF-style: chr17-80205539-A-G. GRCh37 (hg19) VCF-style: chr17-78179338-A-G.
Other names: c.2578A>G, p.Ser860Gly (NM_024110.4); short protein forms S860G.
Identifiers: ClinVar variation 4793209 (VCV004793209.1).
Genomic context (GRCh38, chr17:80,205,539, plus strand): 5'-CCAGACCCCCACACAGCTGGTCTATGATGGCCCCGTCCAATGTCACCTGTAGAGTACTTG[A>G]GCCAGGAGGAGTATGAGGCCTGGAGCCAGAGAGGGGACATCATCCAGGAGGGAGAGGTGT-3'
Protein context (NP_001353314.1, residues 850-870): GFKKCLAEYL[Ser860Gly]QEEYEAWSQR

ClinVar aggregate classification (germline): Uncertain significance (1 of 4 stars; one submission).

Conditions:
Psoriasis 2. Identifiers: MedGen C1864497, MONDO:0011269, OMIM 602723.
Pityriasis rubra pilaris (PRP). Also called: Pityriasis rubra pilaris--familial type. Identifiers: Orphanet 2897, MedGen C0032027, MONDO:0100017, OMIM 173200, MONDO:0008251.

gnomAD v4.1: 5 of 1,585,834 alleles (0.00032%); highest among the groups gnomAD compares: African/African-American, 0.0054%; no homozygotes.

Submission:

Labcorp Genetics (formerly Invitae), Labcorp
Classification: Uncertain significance for Pityriasis rubra pilaris; Psoriasis 2. Last evaluated: 2025-07-14. Review status: criteria provided, single submitter. Criteria: Invitae Variant Classification Sherloc (09022015). Collection method: clinical testing. Allele origin: germline.
Comment: This sequence change replaces serine, which is neutral and polar, with glycine, which is neutral and non-polar, at codon 860 of the CARD14 protein (p.Ser860Gly). This variant is not present in population databases (gnomAD no frequency). This variant has not been reported in the literature in individuals affected with CARD14-related conditions. Invitae Evidence Modeling of protein sequence and biophysical properties (such as structural, functional, and spatial information, amino acid conservation, physicochemical variation, residue mobility, and thermodynamic stability) indicates that this missense variant is not expected to disrupt CARD14 protein function with a negative predictive value of 95%. In summary, the available evidence is currently insufficient to determine the role of this variant in disease. Therefore, it has been classified as a Variant of Uncertain Significance.